The following is an entry in ClinVar:

NM_020937.4(FANCM):c.5318G>C (p.Arg1773Thr)

Gene: FANCM (FA complementation group M; plus strand). Cytogenetic location: 14q21.2.
Variant type: single nucleotide variant.
Coding change: c.5318G>C on transcript NM_020937.4 (MANE Select); coding-DNA position 5318, G replaced by C.
Protein change: p.Arg1773Thr; replaces arginine 1773 with threonine.
Molecular consequence: missense variant.
Genome position (GRCh38, 1-based): chr14:45,189,340, G>C. VCF-style: chr14-45189340-G-C. GRCh37 (hg19) VCF-style: chr14-45658543-G-C.
Other names: c.5318G>C (LRG_502t1); c.5240G>C, p.Arg1747Thr (NM_001308133.2); short protein forms R1747T, R1773T.
Identifiers: ClinVar variation 663489 (VCV000663489.7), dbSNP rs1594815624, ClinGen allele CA389613312.

ClinVar aggregate classification (germline): Uncertain significance (1 of 4 stars; one submission).

Conditions:
Fanconi anemia (FA). Also called: Fanconi's anemia. Identifiers: Orphanet 84, MedGen C0015625, MeSH D005199, MONDO:0019391.

Submission:

Labcorp Genetics (formerly Invitae), Labcorp
Classification: Uncertain significance for Fanconi anemia. Last evaluated: 2018-12-21. Review status: criteria provided, single submitter. Criteria: Invitae Variant Classification Sherloc (09022015). Collection method: clinical testing. Allele origin: germline.
Comment: In summary, the available evidence is currently insufficient to determine the role of this variant in disease. Therefore, it has been classified as a Variant of Uncertain Significance. Algorithms developed to predict the effect of missense changes on protein structure and function output the following: SIFT: "Tolerated"; PolyPhen-2: "Benign"; Align-GVGD: "Class C0". The threonine amino acid residue is found in multiple mammalian species, suggesting that this missense change does not adversely affect protein function. These predictions have not been confirmed by published functional studies and their clinical significance is uncertain. This variant has not been reported in the literature in individuals with FANCM-related conditions. This variant is not present in population databases (ExAC no frequency). This sequence change replaces arginine with threonine at codon 1773 of the FANCM protein (p.Arg1773Thr). The arginine residue is weakly conserved and there is a moderate physicochemical difference between arginine and threonine.